The following is an entry in ClinVar:

NM_203314.3(BDH1):c.127C>T (p.Arg43Cys)

Gene: BDH1 (3-hydroxybutyrate dehydrogenase 1). Cytogenetic location: 3q29.
Variant type: single nucleotide variant.
Coding change: c.127C>T on transcript NM_203314.3 (MANE Select); coding-DNA position 127, C replaced by T.
Protein change: p.Arg43Cys; replaces arginine 43 with cysteine.
Molecular consequence: missense variant.
Genome position (GRCh38, 1-based): chr3:197,533,518, G>A on the plus strand (C>T on the coding strand, the complement: BDH1 is on the minus strand). VCF-style: chr3-197533518-G-A. GRCh37 (hg19) VCF-style: chr3-197260389-G-A.
Other names: c.127C>T, p.Arg43Cys (NM_004051.5, NM_203315.3); short protein forms R43C.
Identifiers: ClinVar variation 3044823 (VCV003044823.2), dbSNP rs61747148, ClinGen allele CA2786289.

ClinVar aggregate classification (germline): Benign (0 of 4 stars; one submission).

Conditions:
BDH1-related disorder. Also called: BDH1-related condition.

Allele frequency attached by ClinVar (database versions not stated): ExAC 0.00057; 1000 Genomes Project 30x 0.00172; 1000 Genomes Project 0.00180; gnomAD 0.00199; TOPMed 0.00225; ESP Exome Variant Server 0.00269; gnomAD exomes 0.00019.
gnomAD v4.1: 583 of 1,614,250 alleles (0.036%); highest among the groups gnomAD compares: African/African-American, 0.72%; 2 homozygotes.

Submission:

PreventionGenetics, part of Exact Sciences
Classification: Benign for BDH1-related condition. Last evaluated: 2019-07-30. Review status: no assertion criteria provided. Collection method: clinical testing. Allele origin: germline.
Comment: This variant is classified as benign based on ACMG/AMP sequence variant interpretation guidelines (Richards et al. 2015 PMID: 25741868, with internal and published modifications).